The following is an entry in ClinVar:

NM_000939.4(POMC):c.116C>A (p.Thr39Lys)

Gene: POMC (proopiomelanocortin; minus strand). Cytogenetic location: 2p23.3.
Variant type: single nucleotide variant.
Coding change: c.116C>A on transcript NM_000939.4 (MANE Select); coding-DNA position 116, C replaced by A.
Protein change: p.Thr39Lys; replaces threonine 39 with lysine.
Molecular consequence: missense variant.
Genome position (GRCh38, 1-based): chr2:25,164,657, G>T on the plus strand (C>A on the coding strand, the complement: POMC is on the minus strand). VCF-style: chr2-25164657-G-T. GRCh37 (hg19) VCF-style: chr2-25387526-G-T.
Other names: c.116C>A, p.Thr39Lys (NM_001035256.3, NM_001319204.2, NM_001319205.2); short protein forms T39K.
Identifiers: ClinVar variation 3356401 (VCV003356401.1).
Genomic context (GRCh38, chr2:25,164,657, plus strand): 5'-CCCATCTAATGTCTAAGCCAAGATGGCAGTCATGGCCCACGTACCAGCAGGTTGCTTTCC[G>T]TGGTGAGGTCCTGACACTGGCTGCTCTCCAGGCACCAGCCACGCACTTCCATGGAGGCCT-3'
Protein context (NP_000930.1, residues 29-49): LESSQCQDLT[Thr39Lys]ESNLLECIRA

ClinVar aggregate classification (germline): Uncertain significance (0 of 4 stars; one submission).

Conditions:
POMC-related disorder. Also called: POMC-related disorders; POMC-related condition.

Submission:

PreventionGenetics, part of Exact Sciences
Classification: Uncertain significance for POMC-related condition. Last evaluated: 2024-05-06. Review status: no assertion criteria provided. Collection method: clinical testing. Allele origin: germline.
Comment: The POMC c.116C>A variant is predicted to result in the amino acid substitution p.Thr39Lys. To our knowledge, this variant has not been reported in the literature or in a large population database, indicating this variant is rare. At this time, the clinical significance of this variant is uncertain due to the absence of conclusive functional and genetic evidence.